The following is an entry in ClinVar:

NM_014585.6(SLC40A1):c.1328C>T (p.Pro443Leu)

Gene: SLC40A1 (solute carrier family 40 member 1; minus strand). Cytogenetic location: 2q32.2.
Variant type: single nucleotide variant.
Coding change: c.1328C>T on transcript NM_014585.6 (MANE Select); coding-DNA position 1328, C replaced by T.
Protein change: p.Pro443Leu; replaces proline 443 with leucine.
Molecular consequence: missense variant.
Genome position (GRCh38, 1-based): chr2:189,563,658, G>A on the plus strand (C>T on the coding strand, the complement: SLC40A1 is on the minus strand). VCF-style: chr2-189563658-G-A. GRCh37 (hg19) VCF-style: chr2-190428384-G-A.
Other names: short protein forms P443L.
Identifiers: ClinVar variation 698027 (VCV000698027.13), dbSNP rs45606432, ClinGen allele CA2024082.
Genomic context (GRCh38, chr2:189,563,658, plus strand): 5'-ATGACGCCTGCAAACAGCAGACTGACAGAGATTATGGGCACAGATTCAGGACTTGTCTCC[G>A]GGACAATATTAGCAGAATTAGACCCATTAGACATGTATATTTCAGTTGTAATTTCAGGTA-3'
Protein context (NP_055400.1, residues 433-453): SNGSNSANIV[Pro443Leu]ETSPESVPII

ClinVar aggregate classification (germline): Benign. Review status: criteria provided, single submitter (1 of 4 stars). 2 submissions from 2 submitters: Benign (1). 1 of the submissions does not count toward it. Last evaluated 2025-12-24.

Conditions:
Hemochromatosis type 4 (HFE4). Also called: Ferroportin disease; HEMOCHROMATOSIS DUE TO DEFECT IN FERROPORTIN; HEMOCHROMATOSIS, AUTOSOMAL DOMINANT. Identifiers: Orphanet 139491, Orphanet 647834, Orphanet 648562, MedGen C1853733, MONDO:0011631, OMIM 606069.
SLC40A1-related disorder. Also called: SLC40A1-related condition.

Allele frequency attached by ClinVar (database versions not stated): gnomAD 0.00151 and 0.00163; ESP Exome Variant Server 0.00177; gnomAD exomes 0.00043 and 0.00017; ExAC 0.00054; 1000 Genomes Project 30x 0.00172; TOPMed 0.00186; 1000 Genomes Project 0.00180.
gnomAD v4.1: 492 of 1,614,076 alleles (0.03%); highest among the groups gnomAD compares: African/African-American, 0.52%; 1 homozygote.

Submissions (2):

Labcorp Genetics (formerly Invitae), Labcorp
Classification: Benign for Hemochromatosis type 4. Last evaluated: 2025-12-24. Review status: criteria provided, single submitter. Criteria: Invitae Variant Classification Sherloc (09022015). Collection method: clinical testing. Allele origin: germline.

PreventionGenetics, part of Exact Sciences
Classification: Benign for SLC40A1-related condition. Last evaluated: 2021-09-20. Review status: no assertion criteria provided. Collection method: clinical testing. Allele origin: germline. Not counted in ClinVar's aggregate classification.
Comment: This variant is classified as benign based on ACMG/AMP sequence variant interpretation guidelines (Richards et al. 2015 PMID: 25741868, with internal and published modifications).